The following is an entry in ClinVar:

NM_133259.4(LRPPRC):c.889G>A (p.Glu297Lys)

Gene: LRPPRC (leucine rich pentatricopeptide repeat containing; minus strand). Cytogenetic location: 2p21.
Variant type: single nucleotide variant.
Coding change: c.889G>A on transcript NM_133259.4 (MANE Select); coding-DNA position 889, G replaced by A.
Protein change: p.Glu297Lys; replaces glutamic acid 297 with lysine.
Molecular consequence: missense variant.
Genome position (GRCh38, 1-based): chr2:43,974,734, C>T on the plus strand (G>A on the coding strand, the complement: LRPPRC is on the minus strand). VCF-style: chr2-43974734-C-T. GRCh37 (hg19) VCF-style: chr2-44201873-C-T.
Other names: short protein forms E297K.
Identifiers: ClinVar variation 1708602 (VCV001708602.3), dbSNP rs774530950, ClinGen allele CA1639176.
Genomic context (GRCh38, chr2:43,974,734, plus strand): 5'-ACCCAGCTTTACTGAAGCTAAAAATAATTTGCAGTAAATCACGGTCCATAAGGTGAAGCT[C>T]GGACTTCTCCACCTTCTCCAGAGTCTATAGAGAGTTCCAGAAATTAGAAGACAAAGTTAG-3'
Protein context (NP_573566.2, residues 287-307): KQTLEKVEKS[Glu297Lys]LHLMDRDLLQ

ClinVar aggregate classification (germline): Uncertain significance. Review status: criteria provided, multiple submitters, no conflicts (2 of 4 stars). 2 submissions from 2 submitters: Uncertain significance (2). Last evaluated 2022-04-04.

Conditions:
Congenital lactic acidosis, Saguenay-Lac-Saint-Jean type (MC4DN5). Also called: CYTOCHROME c OXIDASE DEFICIENCY, FRENCH CANADIAN TYPE; COX DEFICIENCY, FRENCH CANADIAN TYPE; MITOCHONDRIAL COMPLEX IV DEFICIENCY, NUCLEAR TYPE 5. Identifiers: Orphanet 70472, MedGen C1857355, MONDO:0009069, OMIM 220111.

Allele frequency attached by ClinVar (database versions not stated): gnomAD 0.00001; ExAC 0.00002; gnomAD exomes 0.00002; TOPMed 0.00002.
gnomAD v4.1: 27 of 1,613,476 alleles (0.0017%); highest among the groups gnomAD compares: South Asian, 0.0033%; no homozygotes.

Submissions (2):

GeneDx
Classification: Uncertain significance. Last evaluated: 2022-04-04. Review status: criteria provided, single submitter. Criteria: GeneDx Variant Classification Process June 2021. Collection method: clinical testing. Allele origin: germline. Affected: yes.
Comment: Not observed at significant frequency in large population cohorts (gnomAD); In silico analysis supports that this missense variant has a deleterious effect on protein structure/function; Has not been previously published as pathogenic or benign to our knowledge

Department of Pathology and Laboratory Medicine, Sinai Health System
Classification: Uncertain significance for Congenital lactic acidosis, Saguenay-Lac-Saint-Jean type. Last evaluated: 2021-07-30. Review status: criteria provided, single submitter. Criteria: ACMG Guidelines, 2015. Collection method: research. Allele origin: germline.